The following is an entry in ClinVar:

NM_003922.4(HERC1):c.11351C>G (p.Thr3784Ser)

Gene: HERC1 (HECT and RLD domain containing E3 ubiquitin protein ligase family member 1; minus strand). Cytogenetic location: 15q22.31.
Variant type: single nucleotide variant.
Coding change: c.11351C>G on transcript NM_003922.4 (MANE Select); coding-DNA position 11351, C replaced by G.
Protein change: p.Thr3784Ser; replaces threonine 3784 with serine.
Molecular consequence: missense variant.
Genome position (GRCh38, 1-based): chr15:63,643,039, G>C on the plus strand (C>G on the coding strand, the complement: HERC1 is on the minus strand). VCF-style: chr15-63643039-G-C. GRCh37 (hg19) VCF-style: chr15-63935238-G-C.
Other names: short protein forms T3784S.
Identifiers: ClinVar variation 1316056 (VCV001316056.3), dbSNP rs749123230, ClinGen allele CA7604242.

ClinVar aggregate classification (germline): Uncertain significance (1 of 4 stars; one submission).

Allele frequency attached by ClinVar (database versions not stated): TOPMed 0.00006; gnomAD exomes below 0.00001 and 0.00001; ExAC 0.00001; gnomAD 0.00005 and 0.00006.
gnomAD v4.1: 13 of 1,611,382 alleles (0.00081%); highest among the groups gnomAD compares: African/African-American, 0.013%; no homozygotes.

Submission:

GeneDx
Classification: Uncertain significance. Last evaluated: 2025-09-27. Review status: criteria provided, single submitter. Criteria: GeneDx Variant Classification Process June 2021. Collection method: clinical testing. Allele origin: germline. Affected: yes.
Comment: In silico analysis suggests that this missense variant does not alter protein structure/function; Has not been previously published as pathogenic or benign to our knowledge